The following is an entry in ClinVar:

NM_001953.5(TYMP):c.213C>G (p.Ile71Met)

Gene: TYMP (thymidine phosphorylase; minus strand). Cytogenetic location: 22q13.33.
Variant type: single nucleotide variant.
Coding change: c.213C>G on transcript NM_001953.5 (MANE Select); coding-DNA position 213, C replaced by G.
Protein change: p.Ile71Met; replaces isoleucine 71 with methionine.
Molecular consequence: missense variant.
Genome position (GRCh38, 1-based): chr22:50,529,497, G>C on the plus strand (C>G on the coding strand, the complement: TYMP is on the minus strand). VCF-style: chr22-50529497-G-C. GRCh37 (hg19) VCF-style: chr22-50967926-G-C.
Other names: c.213C>G, p.Ile71Met (NM_001113755.3, NM_001113756.3, NM_001257988.1 and 1 more transcripts); short protein forms I71M.
Identifiers: ClinVar variation 2057817 (VCV002057817.4), dbSNP rs749358951, ClinGen allele CA10321852.

ClinVar aggregate classification (germline): Uncertain significance (1 of 4 stars; one submission).

Allele frequency attached by ClinVar (database versions not stated): ExAC 0.00001.

Submission:

Labcorp Genetics (formerly Invitae), Labcorp
Classification: Uncertain significance. Last evaluated: 2022-10-25. Review status: criteria provided, single submitter. Criteria: Invitae Variant Classification Sherloc (09022015). Collection method: clinical testing. Allele origin: germline.
Comment: This variant has not been reported in the literature in individuals affected with TYMP-related conditions. Algorithms developed to predict the effect of missense changes on protein structure and function are either unavailable or do not agree on the potential impact of this missense change (SIFT: "Deleterious"; PolyPhen-2: "Possibly Damaging"; Align-GVGD: "Class C0"). Algorithms developed to predict the effect of sequence changes on RNA splicing suggest that this variant may create or strengthen a splice site. In summary, the available evidence is currently insufficient to determine the role of this variant in disease. Therefore, it has been classified as a Variant of Uncertain Significance. This variant is present in population databases (rs749358951, gnomAD 0.003%). This sequence change replaces isoleucine, which is neutral and non-polar, with methionine, which is neutral and non-polar, at codon 71 of the TYMP protein (p.Ile71Met).